The following is an entry in ClinVar:

ClinVar aggregate classification (germline): Uncertain significance. Review status: criteria provided, multiple submitters, no conflicts (2 of 4 stars). 2 submissions from 2 submitters: Uncertain significance (2). Last evaluated 2026-05-26.

Conditions:
Familial adenomatous polyposis 1 (FAP1). Also called: FAMILIAL ADENOMATOUS POLYPOSIS 1, ATTENUATED; POLYPOSIS, ADENOMATOUS INTESTINAL. Identifiers: MedGen C2713442, MONDO:0021056, OMIM 175100. Disease mechanism: loss of function.
Hereditary cancer-predisposing syndrome. Also called: Neoplastic Syndromes, Hereditary; Tumor predisposition; Hereditary Cancer Syndrome; Hereditary neoplastic syndrome. Identifiers: Orphanet 140162, MedGen C0027672, MeSH D009386, MONDO:0015356.

Submissions (2):

Ambry Genetics
Classification: Uncertain significance for Hereditary cancer-predisposing syndrome. Last evaluated: 2026-05-26. Review status: criteria provided, single submitter. Criteria: Ambry Variant Classification Scheme 2023. Collection method: clinical testing. Allele origin: germline.
Comment: The p.P1648R variant (also known as c.4943C>G), located in coding exon 15 of the APC gene, results from a C to G substitution at nucleotide position 4943. The proline at codon 1648 is replaced by arginine, an amino acid with dissimilar properties. This amino acid position is highly conserved in available vertebrate species. In addition, in silico predictors for this gene do not accurately predict pathogenicity. Missense variants in APC are not a common cause of disease (Spier I et al. Genet Med. 2024 Feb;26(2):100992). Based on the available evidence, the clinical significance of this variant remains unclear.

Labcorp Genetics (formerly Invitae), Labcorp
Classification: Uncertain significance for Familial adenomatous polyposis 1. Last evaluated: 2024-12-22. Review status: criteria provided, single submitter. Criteria: Invitae Variant Classification Sherloc (09022015). Collection method: clinical testing. Allele origin: germline.
Comment: This sequence change replaces proline, which is neutral and non-polar, with arginine, which is basic and polar, at codon 1648 of the APC protein (p.Pro1648Arg). This variant is not present in population databases (gnomAD no frequency). This variant has not been reported in the literature in individuals affected with APC-related conditions. ClinVar contains an entry for this variant (Variation ID: 1363595). Invitae Evidence Modeling of protein sequence and biophysical properties (such as structural, functional, and spatial information, amino acid conservation, physicochemical variation, residue mobility, and thermodynamic stability) has been performed for this missense variant. However, the output from this modeling did not meet the statistical confidence thresholds required to predict the impact of this variant on APC protein function. In summary, the available evidence is currently insufficient to determine the role of this variant in disease. Therefore, it has been classified as a Variant of Uncertain Significance.

NM_000038.6(APC):c.4943C>G (p.Pro1648Arg)

Gene: APC (APC regulator of Wnt signaling pathway; plus strand). Cytogenetic location: 5q22.2.
Variant type: single nucleotide variant.
Coding change: c.4943C>G on transcript NM_000038.6 (MANE Select); coding-DNA position 4943, C replaced by G.
Protein change: p.Pro1648Arg; replaces proline 1648 with arginine.
Molecular consequence: missense variant.
Genome position (GRCh38, 1-based): chr5:112,840,537, C>G. VCF-style: chr5-112840537-C-G. GRCh37 (hg19) VCF-style: chr5-112176234-C-G.
Other names: c.4943C>G (NM_000038.5); c.4943C>G, p.Pro1648Arg (NM_001127510.3, NM_001354895.2); c.4889C>G, p.Pro1630Arg (NM_001127511.3); c.4997C>G, p.Pro1666Arg (NM_001354896.2); c.4973C>G, p.Pro1658Arg (NM_001354897.2); c.4868C>G, p.Pro1623Arg (NM_001354898.2); c.4859C>G, p.Pro1620Arg (NM_001354899.2); c.4820C>G, p.Pro1607Arg (NM_001354900.2); and 6 more; short protein forms P1488R, P1522R, P1547R, P1607R, P1630R, P1658R, P1365R, P1648R.
Identifiers: ClinVar variation 1363595 (VCV001363595.9), dbSNP rs2149928044, ClinGen allele CA16032156.
Genomic context (GRCh38, chr5:112,840,537, plus strand): 5'-AGCATGTTAGTTTTACACCGGGGGATGATATGCCACGGGTGTATTGTGTTGAAGGGACAC[C>G]TATAAACTTTTCCACAGCTACATCTCTAAGTGATCTAACAATCGAATCCCCTCCAAATGA-3'
Protein context (NP_000029.2, residues 1638-1658): MPRVYCVEGT[Pro1648Arg]INFSTATSLS